The following is an entry in ClinVar:

NM_001754.5(RUNX1):c.367G>C (p.Asp123His)

Genes: RUNX1 (RUNX family transcription factor 1; minus strand), RUNX1-AS1 (RUNX1 antisense RNA 1; plus strand). Cytogenetic location: 21q22.12.
Variant type: single nucleotide variant.
Coding change: c.367G>C on transcript NM_001754.5 (MANE Select); coding-DNA position 367, G replaced by C.
Protein change: p.Asp123His; replaces aspartic acid 123 with histidine.
Molecular consequence: missense variant.
Genome position (GRCh38, 1-based): chr21:34,880,698, C>G on the plus strand (G>C on the coding strand, the complement: RUNX1 is on the minus strand). VCF-style: chr21-34880698-C-G. GRCh37 (hg19) VCF-style: chr21-36252995-C-G.
Other names: NM_001754.4(RUNX1):c.367G>C; c.286G>C, p.Asp96His (NM_001001890.3, NM_001122607.2); short protein forms D123H, D96H.
Identifiers: ClinVar variation 429813 (VCV000429813.15), dbSNP rs373498347, ClinGen allele CA10014524.

ClinVar aggregate classification (germline): Uncertain significance. Review status: reviewed by expert panel (3 of 4 stars). 6 submissions from 6 submitters: Uncertain significance (1). 5 of the submissions do not count toward it. Last evaluated 2019-07-29.

Conditions:
RUNX1-related disorder. Also called: RUNX1-related condition.
Inborn genetic diseases. Identifiers: MedGen C0950123, MeSH D030342.
Acute myeloid leukemia (AML). Also called: Leukemia, acute myeloid, somatic; Leukemia, acute myelogenous, somatic; Acute myeloid leukemia, adult; AML adult; Acute non-lymphocytic leukemia; Acute granulocytic leukemia. Identifiers: Orphanet 519, MedGen C0023467, MeSH D015470, MONDO:0018874, OMIM 601626, HP:0004808. Disease mechanism: Constitutively activated FLT3.
Hereditary thrombocytopenia and hematological cancer predisposition syndrome associated with RUNX1. Also called: Familial thrombocytopenia with propensity to acute myelogenous leukemia; RUNX1 Familial Platelet Disorder with Associated Myeloid Malignancies; Familial Platelet Disorder with Propensity to Acute Myelogenous Leukemia; PLATELET DISORDER, ASPIRIN-LIKE. Identifiers: Orphanet 71290, MedGen C1832388, MeSH C563324, MONDO:0100083, OMIM 601399.

Allele frequency attached by ClinVar (database versions not stated): gnomAD 0.00001; TOPMed 0.00001; ESP Exome Variant Server 0.00008.
gnomAD v4.1: 7 of 1,613,974 alleles (0.00043%); highest among the groups gnomAD compares: Non-Finnish European, 0.00051%; no homozygotes.

Submissions (6):

ClinGen Myeloid Malignancy Variant Curation Expert Panel
Classification: Uncertain significance for Familial platelet disorder with associated myeloid malignancy. Last evaluated: 2019-07-29. Review status: reviewed by expert panel. Criteria: ClinGen MyeloMalig ACMG Specifications v1. Collection method: curation. Allele origin: germline. Inheritance: Autosomal dominant inheritance.
Comment: The NM_001754.4:c.367G>C (p.Asp123His) missense variant has a REVEL score >0.75 (0.943) (PP3). This variant affects one of the other residues (AA 105-204; not established as a hot spot by the MM-VCEP) within the RHD PM1_Supporting). The variant has been reported in one proband meeting at least one of the RUNX1-phenotypic criteria (PS4_Supporting; PMID: 18723428). In summary, the clinical significance of this variant is uncertain. ACMG/AMP criteria applied, as specified by the Myeloid Malignancy Variant Curation Expert Panel for RUNX1: PP3, PM1_Supporting, PS4_Supporting.

PreventionGenetics, part of Exact Sciences
Classification: Uncertain significance for RUNX1-related condition. Last evaluated: 2025-12-30. Review status: criteria provided, single submitter. Criteria: ACMG Guidelines, 2015. Collection method: clinical testing. Allele origin: germline. Not counted in ClinVar's aggregate classification.
Comment: The RUNX1 c.367G>C variant is predicted to result in the amino acid substitution p.Asp123His. This variant has been reported in a family with a history of RUNX1-related disease (see p.Asp96His in Owen et al. 2008. PubMed ID: 18723428), however this variant has been characterized as a variant of uncertain significance by a ClinGen expert panel due to a lack of evidence supporting the possible pathogenicity of this variant (Variation ID: 429813). This variant is reported in 0.0026% of alleles in individuals of European (Non-Finnish) descent in gnomAD. At this time, the clinical significance of this variant is uncertain due to the absence of conclusive functional and genetic evidence.

Labcorp Genetics (formerly Invitae), Labcorp
Classification: Uncertain significance for Hereditary thrombocytopenia and hematological cancer predisposition syndrome associated with RUNX1. Last evaluated: 2025-11-04. Review status: criteria provided, single submitter. Criteria: Invitae Variant Classification Sherloc (09022015). Collection method: clinical testing. Allele origin: germline. Not counted in ClinVar's aggregate classification.
Comment: This sequence change replaces aspartic acid, which is acidic and polar, with histidine, which is basic and polar, at codon 123 of the RUNX1 protein (p.Asp123His). This variant is present in population databases (rs373498347, gnomAD 0.003%). This missense change has been observed in individual(s) with acute myeloid leukemia and familial platelet disorder with propensity to myeloid malignancy (FPD/AML) (PMID: 18723428, 28933735). It has also been observed to segregate with disease in related individuals. This variant is also known as D96H. ClinVar contains an entry for this variant (Variation ID: 429813). Invitae Evidence Modeling of protein sequence and biophysical properties (such as structural, functional, and spatial information, amino acid conservation, physicochemical variation, residue mobility, and thermodynamic stability) has been performed for this missense variant. However, the output from this modeling did not meet the statistical confidence thresholds required to predict the impact of this variant on RUNX1 protein function. In summary, the available evidence is currently insufficient to determine the role of this variant in disease. Therefore, it has been classified as a Variant of Uncertain Significance.

Ambry Genetics
Classification: Uncertain significance for Inborn genetic diseases. Last evaluated: 2025-03-21. Review status: criteria provided, single submitter. Criteria: Ambry Variant Classification Scheme 2023. Collection method: clinical testing. Allele origin: germline. Not counted in ClinVar's aggregate classification.
Comment: The p.D123H variant (also known as c.367G>C), located in coding exon 4 of the RUNX1 gene, results from a G to C substitution at nucleotide position 367. The aspartic acid at codon 123 is replaced by histidine, an amino acid with similar properties. This variant was identified in one or more individuals with features consistent with RUNX1 familial platelet disorder with associated myeloid malignancies and segregated with disease in at least one family (Owen CJ et al. Blood, 2008 Dec;112:4639-45). This amino acid position is well conserved in available vertebrate species. In addition, this alteration is predicted to be deleterious by in silico analysis. Based on the available evidence, the clinical significance of this variant remains unclear.

Baylor Genetics
Classification: Uncertain significance for Acute myeloid leukemia. Last evaluated: 2023-08-07. Review status: criteria provided, single submitter. Criteria: ACMG Guidelines, 2015. Collection method: clinical testing. Allele origin: unknown. Not counted in ClinVar's aggregate classification.

GeneDx
Classification: Uncertain significance. Last evaluated: 2020-12-15. Review status: criteria provided, single submitter. Criteria: GeneDx Variant Classification Process June 2021. Collection method: clinical testing. Allele origin: germline. Affected: yes. Not counted in ClinVar's aggregate classification.
Comment: Not observed at a significant frequency in large population cohorts (Lek et al., 2016); In silico analysis supports that this missense variant has a deleterious effect on protein structure/function; This variant is associated with the following publications: (PMID: 28933735, 18723428)

Literature cited by the submitters: PubMed 18723428 (cited by 3 submitters); PubMed 28933735 (cited by Labcorp Genetics (formerly Invitae), Labcorp).